The following is an entry in ClinVar:

ClinVar aggregate classification (germline): Uncertain significance (1 of 4 stars; one submission).

Conditions:
CEP290-related ciliopathy. Also called: CEP290 ciliopathy. Identifiers: MedGen CN305601, MONDO:0100451.

Submission:

Myriad Genetics, Inc.
Classification: Uncertain significance for CEP290-related ciliopathy. Last evaluated: 2026-05-08. Review status: criteria provided, single submitter. Criteria: Myriad Autosomal Dominant, Autosomal Recessive and X-Linked Classification Criteria (2023). Collection method: clinical testing. Allele origin: unknown.
Comment: NM_025114.3(CEP290):c.7309_7332del24(K2437_K2444del) is an in-frame deletion classified as a variant of uncertain significance in the context of CEP290-related disorders. K2437_K2444del has not been observed in cases with relevant disease. Relevant functional assessments of this variant are not available in the literature. K2437_K2444del has not been observed in referenced population frequency databases. In summary, there is insufficient evidence to classify NM_025114.3(CEP290):c.7309_7332del24(K2437_K2444del) as pathogenic or benign. Please note: this variant was assessed in the context of healthy population screening.

NM_025114.4(CEP290):c.7309_7332del (p.Lys2437_Lys2444del)

Genes: CEP290 (centrosomal protein 290; minus strand), RLIG1 (RNA 5'-phosphate and 3'-OH ligase 1; plus strand). Cytogenetic location: 12q21.32.
Variant type: Deletion.
Coding change: c.7309_7332del on transcript NM_025114.4 (MANE Select); coding-DNA positions 7309 to 7332, 24 bases deleted (AAGAATATTCTCTTAGAAGAGAAG).
Protein change: p.Lys2437_Lys2444del.
Molecular consequence: inframe deletion. On other transcripts: 3 prime UTR variant (1).
Genome position (GRCh38, 1-based): chr12:88,049,292-88,049,315, CTTCTCTTCTAAGAGAATATTCTT deleted on the plus strand (AAGAATATTCTCTTAGAAGAGAAG on the coding strand, the reverse complement: CEP290 is on the minus strand); deleting any 24 consecutive bases within chr12:88,049,292-88,049,319 gives the same sequence; the c. name uses the placement nearest the transcript's 3' end. VCF-style (leftmost placement, unchanged base first): chr12-88049291-CCTTCTCTTCTAAGAGAATATTCTT-C. GRCh37 (hg19) VCF-style: chr12-88443068-CCTTCTCTTCTAAGAGAATATTCTT-C.
Other names: c.*874_*897del (NM_001009894.3).
Identifiers: ClinVar variation 5004655 (VCV005004655.1).
Genomic context (GRCh38, chr12:88,049,291, plus strand): 5'-CTTCAGAAGCAGCAACAGGGCTAGTTAATTCAACTCCCAATTGTTCTGAAAGTTTTTTTA[CCTTCTCTTCTAAGAGAATATTCTT>C]CTTCACTTCTTCCTTGTAATTATACTTAAGATCTTCAATTTCTTCAAAAAATGAAGGATC-3'